The following is an entry in ClinVar:

NM_004612.4(TGFBR1):c.1002G>C (p.Leu334Phe)

Gene: TGFBR1 (transforming growth factor beta receptor 1; plus strand). Cytogenetic location: 9q22.33.
Variant type: single nucleotide variant.
Coding change: c.1002G>C on transcript NM_004612.4 (MANE Select); coding-DNA position 1002, G replaced by C.
Protein change: p.Leu334Phe; replaces leucine 334 with phenylalanine.
Molecular consequence: missense variant. On other transcripts: non-coding transcript variant (4).
Genome position (GRCh38, 1-based): chr9:99,144,760, G>C. VCF-style: chr9-99144760-G-C. GRCh37 (hg19) VCF-style: chr9-101907042-G-C.
Other names: c.807G>C, p.Leu269Phe (NM_001407419.1, NM_001407420.1, NM_001407422.1 and 1 more transcripts); c.795G>C, p.Leu265Phe (NM_001407423.1, NM_001407424.1, NM_001407425.1 and 8 more transcripts); c.771G>C, p.Leu257Phe (NM_001407435.1, NM_001130916.3); c.756G>C, p.Leu252Phe (NM_001407436.1); c.294G>C, p.Leu98Phe (NM_001407437.1); c.525G>C, p.Leu175Phe (NM_001407438.1); c.1014G>C, p.Leu338Phe (NM_001306210.2); c.846G>C, p.Leu282Phe (NM_001407416.1); and 1 more; short protein forms L269F, L175F, L265F, L282F, L98F, L257F, L338F, L252F.
Identifiers: ClinVar variation 3631024 (VCV003631024.2).
Genomic context (GRCh38, chr9:99,144,760, plus strand): 5'-TAAGCAGTCATGTTTAATTTTTGATTCTTTAGGAAAGCCAGCCATTGCTCATAGAGATTT[G>C]AAATCAAAGAATATCTTGGTAAAGAAGAATGGAACTTGCTGTATTGCAGACTTAGGACTG-3'
Protein context (NP_004603.1, residues 324-344): QGKPAIAHRD[Leu334Phe]KSKNILVKKN

ClinVar aggregate classification (germline): Uncertain significance (1 of 4 stars; one submission).

Conditions:
Familial thoracic aortic aneurysm and aortic dissection (TAAD). Also called: Thoracic aortic aneurysms and dissections. Identifiers: Orphanet 91387, MedGen C4707243, MONDO:0019625.

Submission:

Labcorp Genetics (formerly Invitae), Labcorp
Classification: Uncertain significance for Familial thoracic aortic aneurysm and aortic dissection. Last evaluated: 2024-12-23. Review status: criteria provided, single submitter. Criteria: Invitae Variant Classification Sherloc (09022015). Collection method: clinical testing. Allele origin: germline.
Comment: This sequence change replaces leucine, which is neutral and non-polar, with phenylalanine, which is neutral and non-polar, at codon 334 of the TGFBR1 protein (p.Leu334Phe). This variant is not present in population databases (gnomAD no frequency). This variant has not been reported in the literature in individuals affected with TGFBR1-related conditions. Invitae Evidence Modeling of protein sequence and biophysical properties (such as structural, functional, and spatial information, amino acid conservation, physicochemical variation, residue mobility, and thermodynamic stability) indicates that this missense variant is expected to disrupt TGFBR1 protein function with a positive predictive value of 80%. In summary, the available evidence is currently insufficient to determine the role of this variant in disease. Therefore, it has been classified as a Variant of Uncertain Significance.